The following is an entry in ClinVar:

ClinVar aggregate classification (germline): Conflicting classifications of pathogenicity. Review status: criteria provided, conflicting classifications (1 of 4 stars). 2 submissions from 2 submitters: Likely pathogenic (1); Uncertain significance (1). Last evaluated 2024-07-23.

Conditions:
Supravalvar aortic stenosis (SVAS). Also called: Supravalvar aortic stenosis, Eisenberg type. Identifiers: Orphanet 3193, MedGen C0003499, MONDO:0008504, OMIM 185500, HP:0004381.

Submissions (3):

Labcorp Genetics (formerly Invitae), Labcorp
Classification: Likely pathogenic for Supravalvar aortic stenosis. Last evaluated: 2024-07-23. Review status: criteria provided, single submitter. Criteria: Invitae Variant Classification Sherloc (09022015). Collection method: clinical testing. Allele origin: germline.
Comment: This sequence change affects a donor splice site in intron 30 of the ELN gene. It is expected to disrupt RNA splicing. Variants that disrupt the donor or acceptor splice site typically lead to a loss of protein function (PMID: 16199547), and loss-of-function variants in ELN are known to be pathogenic (PMID: 11175284). This variant is not present in population databases (gnomAD no frequency). This variant has not been reported in the literature in individuals affected with ELN-related conditions. ClinVar contains an entry for this variant (Variation ID: 2574348). Algorithms developed to predict the effect of sequence changes on RNA splicing suggest that this variant may disrupt the consensus splice site. In summary, the currently available evidence indicates that the variant is pathogenic, but additional data are needed to prove that conclusively. Therefore, this variant has been classified as Likely Pathogenic.

GeneDx
Classification: Uncertain significance. Last evaluated: 2023-01-25. Review status: criteria provided, single submitter. Criteria: GeneDx Variant Classification Process June 2021. Collection method: clinical testing. Allele origin: germline. Affected: yes.
Comment: Not observed at significant frequency in large population cohorts (gnomAD); Canonical splice site variant with an unclear effect on protein function; Has not been previously published as pathogenic or benign to our knowledge

Dr. Peter K. Rogan Lab, Western University
No classification provided (evidence only). Condition: Thyroid cancer, nonmedullary, 1. Review status: no classification provided. Collection method: in vitro. Allele origin: not applicable. Functional consequence: retained intron. Not counted in ClinVar's aggregate classification.

Literature cited by the submitters: PubMed 16199547 (cited by Labcorp Genetics (formerly Invitae), Labcorp); PubMed 11175284 (cited by Labcorp Genetics (formerly Invitae), Labcorp).

NM_000501.4(ELN):c.1993+1G>A

Gene: ELN (elastin; plus strand). Cytogenetic location: 7q11.23.
Variant type: single nucleotide variant.
Coding change: c.1993+1G>A on transcript NM_000501.4 (MANE Select); the canonical splice donor site of the intron after coding-DNA position 1993, G replaced by A.
Molecular consequence: splice donor variant.
Genome position (GRCh38, 1-based): chr7:74,063,696, G>A. VCF-style: chr7-74063696-G-A. GRCh37 (hg19) VCF-style: chr7-73478026-G-A.
Other names: c.1993+1G>A (NM_001278912.2); c.1936+1G>A (NM_001081755.3); c.1849+1G>A (NM_001278916.2); c.1750+1G>A (NM_001278913.2); c.1921+1G>A (NM_001278914.2); c.1963+1G>A (NM_001278917.2); c.1906+1G>A (NM_001081752.3); c.1726+1G>A (NM_001278918.2); and 4 more.
Identifiers: ClinVar variation 2574348 (VCV002574348.4), dbSNP rs782794260, ClinGen allele CA367890714.
Genomic context (GRCh38, chr7:74,063,696, plus strand): 5'-CTGGGCTCGGAGGACTCGGAGTCGGAGGGCTTGGAGTTCCAGGTGTTGGGGGCCTTGGAG[G>A]TGAGAGTTGTTCTGAAATCAGTGAGTGTGTGTGGTGTGTGTATGCGAGACAGAGATGGAG-3'